The following is an entry in ClinVar:

ClinVar aggregate classification (germline): Uncertain significance. Review status: criteria provided, multiple submitters, no conflicts (2 of 4 stars). 2 submissions from 2 submitters: Uncertain significance (2). Last evaluated 2025-07-29.

Conditions:
Cardiovascular phenotype. Identifiers: MedGen CN230736.
Brugada syndrome. Also called: Sudden unexpected nocturnal death syndrome; Sudden unexplained nocturnal death syndrome; Sudden Unexplained Death Syndrome; Sudden Unexplained Nocturnal Death Syndrome (SUNDS). Identifiers: Orphanet 130, MedGen C1142166, MONDO:0015263.

gnomAD v4.1: 14 of 1,612,912 alleles (0.00087%); highest among the groups gnomAD compares: Middle Eastern, 0.017%; no homozygotes.

Submissions (2):

Ambry Genetics
Classification: Uncertain significance for Cardiovascular phenotype. Last evaluated: 2025-07-29. Review status: criteria provided, single submitter. Criteria: Ambry Variant Classification Scheme 2023. Collection method: clinical testing. Allele origin: germline.
Comment: The p.G1406A variant (also known as c.4217G>C), located in coding exon 24 of the SCN10A gene, results from a G to C substitution at nucleotide position 4217. The glycine at codon 1406 is replaced by alanine, an amino acid with similar properties. This amino acid position is not well conserved in available vertebrate species, and alanine is the reference amino acid in several species. In addition, the in silico prediction for this alteration is inconclusive. Since supporting evidence is limited at this time, the clinical significance of this alteration remains unclear.

Labcorp Genetics (formerly Invitae), Labcorp
Classification: Uncertain significance for Brugada syndrome. Last evaluated: 2022-07-01. Review status: criteria provided, single submitter. Criteria: Invitae Variant Classification Sherloc (09022015). Collection method: clinical testing. Allele origin: germline.
Comment: This sequence change replaces glycine, which is neutral and non-polar, with alanine, which is neutral and non-polar, at codon 1406 of the SCN10A protein (p.Gly1406Ala). This variant is not present in population databases (gnomAD no frequency). This variant has not been reported in the literature in individuals affected with SCN10A-related conditions. Algorithms developed to predict the effect of missense changes on protein structure and function are either unavailable or do not agree on the potential impact of this missense change (SIFT: "Tolerated"; PolyPhen-2: "Possibly Damaging"; Align-GVGD: "Class C0"). In summary, the available evidence is currently insufficient to determine the role of this variant in disease. Therefore, it has been classified as a Variant of Uncertain Significance.

NM_006514.4(SCN10A):c.4217G>C (p.Gly1406Ala)

Gene: SCN10A (sodium voltage-gated channel alpha subunit 10; minus strand). Cytogenetic location: 3p22.2.
Variant type: single nucleotide variant.
Coding change: c.4217G>C on transcript NM_006514.4 (MANE Select); coding-DNA position 4217, G replaced by C.
Protein change: p.Gly1406Ala; replaces glycine 1406 with alanine.
Molecular consequence: missense variant.
Genome position (GRCh38, 1-based): chr3:38,709,542, C>G on the plus strand (G>C on the coding strand, the complement: SCN10A is on the minus strand). VCF-style: chr3-38709542-C-G. GRCh37 (hg19) VCF-style: chr3-38751033-C-G.
Other names: c.4214G>C, p.Gly1405Ala (NM_001293306.2); c.3923G>C, p.Gly1308Ala (NM_001293307.2); short protein forms G1308A, G1406A, G1405A.
Identifiers: ClinVar variation 1738786 (VCV001738786.5), dbSNP rs201280426, ClinGen allele CA72949285.